The following is an entry in ClinVar:

NM_000760.4(CSF3R):c.32G>A (p.Trp11Ter)

Gene: CSF3R (colony stimulating factor 3 receptor; minus strand). Cytogenetic location: 1p34.3.
Variant type: single nucleotide variant.
Coding change: c.32G>A on transcript NM_000760.4 (MANE Select); coding-DNA position 32, G replaced by A.
Protein change: p.Trp11Ter; replaces tryptophan 11 with a stop codon.
Molecular consequence: nonsense.
Genome position (GRCh38, 1-based): chr1:36,479,465, C>T on the plus strand (G>A on the coding strand, the complement: CSF3R is on the minus strand). VCF-style: chr1-36479465-C-T. GRCh37 (hg19) VCF-style: chr1-36945066-C-T.
Other names: c.32G>A, p.Trp11Ter (NM_156039.3, NM_172313.3); short protein forms W11*.
Identifiers: ClinVar variation 1070139 (VCV001070139.7), dbSNP rs2124152665, ClinGen allele CA339425348.

ClinVar aggregate classification (germline): Pathogenic (1 of 4 stars; one submission).

Conditions:
Autosomal recessive severe congenital neutropenia due to CSF3R deficiency. Also called: Neutropenia, severe congenital, 7, autosomal recessive. Identifiers: Orphanet 420702, MedGen C4310764, MONDO:0014865, OMIM 617014.

Submission:

Labcorp Genetics (formerly Invitae), Labcorp
Classification: Pathogenic for Autosomal recessive severe congenital neutropenia due to CSF3R deficiency. Last evaluated: 2022-08-23. Review status: criteria provided, single submitter. Criteria: Invitae Variant Classification Sherloc (09022015). Collection method: clinical testing. Allele origin: germline.
Comment: This variant is not present in population databases (gnomAD no frequency). This sequence change creates a premature translational stop signal (p.Trp11*) in the CSF3R gene. It is expected to result in an absent or disrupted protein product. Loss-of-function variants in CSF3R are known to be pathogenic (PMID: 24753537, 26324699). This variant has not been reported in the literature in individuals affected with CSF3R-related conditions. ClinVar contains an entry for this variant (Variation ID: 1070139). For these reasons, this variant has been classified as Pathogenic.

Literature cited by the submitters: PubMed 24753537; PubMed 26324699.